The following is an entry in ClinVar:

ClinVar aggregate classification (germline): Uncertain significance. Review status: criteria provided, multiple submitters, no conflicts (2 of 4 stars). 3 submissions from 3 submitters: Uncertain significance (2). 1 of the submissions does not count toward it. Last evaluated 2023-10-22.

Conditions:
Inborn genetic diseases. Identifiers: MedGen C0950123, MeSH D030342.
Charcot-Marie-Tooth disease type 2. Also called: Charcot-Marie-Tooth type 2. Identifiers: Orphanet 64746, MedGen C0270914, MONDO:0018993.
Peripheral neuropathy. Also called: Neuropathy. Identifiers: MedGen C0031117, MONDO:0005244, HP:0009830.

gnomAD v4.1: 7 of 1,614,054 alleles (0.00043%); highest among the groups gnomAD compares: Non-Finnish European, 0.00059%; no homozygotes.

Submissions (3):

Labcorp Genetics (formerly Invitae), Labcorp
Classification: Uncertain significance for Charcot-Marie-Tooth disease type 2. Last evaluated: 2023-10-22. Review status: criteria provided, single submitter. Criteria: Invitae Variant Classification Sherloc (09022015). Collection method: clinical testing. Allele origin: germline.
Comment: This sequence change replaces valine, which is neutral and non-polar, with leucine, which is neutral and non-polar, at codon 443 of the MFN2 protein (p.Val443Leu). This variant is present in population databases (no rsID available, gnomAD 0.0009%). This variant has not been reported in the literature in individuals affected with MFN2-related conditions. ClinVar contains an entry for this variant (Variation ID: 1711847). Advanced modeling of protein sequence and biophysical properties (such as structural, functional, and spatial information, amino acid conservation, physicochemical variation, residue mobility, and thermodynamic stability) has been performed at Invitae for this missense variant, however the output from this modeling did not meet the statistical confidence thresholds required to predict the impact of this variant on MFN2 protein function. In summary, the available evidence is currently insufficient to determine the role of this variant in disease. Therefore, it has been classified as a Variant of Uncertain Significance.

Ambry Genetics
Classification: Uncertain significance for Inborn genetic diseases. Last evaluated: 2022-12-21. Review status: criteria provided, single submitter. Criteria: Ambry Variant Classification Scheme 2023. Collection method: clinical testing. Allele origin: germline.

Institute of Human Genetics, University of Wuerzburg
Classification: Uncertain significance for Peripheral neuropathy. Review status: no assertion criteria provided. Collection method: clinical testing. Allele origin: unknown. Affected: yes. Observed: 1 variant allele. Not counted in ClinVar's aggregate classification.

NM_014874.4(MFN2):c.1327G>C (p.Val443Leu)

Gene: MFN2 (mitofusin 2; plus strand). Cytogenetic location: 1p36.22.
Variant type: single nucleotide variant.
Coding change: c.1327G>C on transcript NM_014874.4 (MANE Select); coding-DNA position 1327, G replaced by C.
Protein change: p.Val443Leu; replaces valine 443 with leucine.
Molecular consequence: missense variant.
Genome position (GRCh38, 1-based): chr1:12,004,548, G>C. VCF-style: chr1-12004548-G-C. GRCh37 (hg19) VCF-style: chr1-12064605-G-C.
Other names: c.1327G>C, p.Val443Leu (NM_001127660.2); short protein forms V443L.
Identifiers: ClinVar variation 1711847 (VCV001711847.7), dbSNP rs780450613, ClinGen allele CA338446121.